The following is an entry in ClinVar:

ClinVar aggregate classification (germline): Pathogenic/Likely pathogenic. Review status: criteria provided, multiple submitters, no conflicts (2 of 4 stars). 2 submissions from 2 submitters: Pathogenic (1); Likely pathogenic (1). Last evaluated 2025-12-01.

Conditions:
Hereditary cancer-predisposing syndrome. Also called: Neoplastic Syndromes, Hereditary; Tumor predisposition; Hereditary Cancer Syndrome; Hereditary neoplastic syndrome. Identifiers: Orphanet 140162, MedGen C0027672, MeSH D009386, MONDO:0015356.
Bloom syndrome (BLM). Also called: Bloom-Torre-Machacek syndrome. Identifiers: Orphanet 125, MedGen C0005859, MONDO:0008876, OMIM 210900.

Submissions (2):

Natera, Inc.
Classification: Likely pathogenic for Bloom syndrome. Last evaluated: 2025-12-01. Review status: criteria provided, single submitter. Criteria: Natera Variant Classification Schema (03/2026). Collection method: clinical testing. Allele origin: germline.
Comment: The c.1633del variant in BLM is a frameshift variant predicted to shift the reading frame beginning at codon 545 and leads to a stop codon 14 codons downstream. This variant is expected to result in nonsense mediated decay, truncation, or a dysfunctional protein product. This variant is rare in the general population with a frequency below the threshold expected for the associated phenotype(s). Given the available evidence, this variant is classified as Likely Pathogenic.

Ambry Genetics
Classification: Pathogenic for Hereditary cancer-predisposing syndrome. Last evaluated: 2021-09-30. Review status: criteria provided, single submitter. Criteria: Ambry Variant Classification Scheme 2023. Collection method: clinical testing. Allele origin: germline.
Comment: The c.1633delA pathogenic mutation, located in coding exon 6 of the BLM gene, results from a deletion of one nucleotide at nucleotide position 1633, causing a translational frameshift with a predicted alternate stop codon (p.R545Efs*14). This variant is considered to be rare based on population cohorts in the Genome Aggregation Database (gnomAD). This alteration is expected to result in loss of function by premature protein truncation or nonsense-mediated mRNA decay. As such, this alteration is interpreted as a disease-causing mutation.

NM_000057.4(BLM):c.1633del (p.Arg545fs)

Gene: BLM (BLM RecQ like helicase; plus strand). Cytogenetic location: 15q26.1.
Variant type: Deletion.
Coding change: c.1633del on transcript NM_000057.4 (MANE Select); coding-DNA position 1633, one base deleted (A; older notation c.1633delA).
Protein change: p.Arg545fs; shifts the reading frame from arginine 545.
Molecular consequence: frameshift variant.
Genome position (GRCh38, 1-based): chr15:90,761,006, A deleted; the last of 3 consecutive A bases (chr15:90,761,004-90,761,006); deleting any one gives the same sequence. VCF-style (leftmost placement, unchanged base first): chr15-90761003-GA-G. GRCh37 (hg19) VCF-style: chr15-91304233-GA-G.
Other names: c.1633del, p.Arg545fs (NM_001287246.2, NM_001287247.2); c.508del, p.Arg170fs (NM_001287248.2); c.1633del (NM_000057.3); short protein forms R545fs, R170fs.
Identifiers: ClinVar variation 1776878 (VCV001776878.3), dbSNP rs2505427648, ClinGen allele CA2580090387.
Genomic context (GRCh38, chr15:90,761,003, plus strand): 5'-GTTCTCACAAGCACTGCTGTGAAAGATCAGAATAAACATACTGCTTCAATAAATGACTTA[GA>G]AAGAGAAACCCAACCTTCCTATGATATTGATAATTTTGACATAGATGACTTTGATGATGA-3'